The following is an entry in ClinVar:

ClinVar aggregate classification (germline): Uncertain significance (1 of 4 stars; one submission).

Conditions:
Hemochromatosis type 4 (HFE4). Also called: HEMOCHROMATOSIS DUE TO DEFECT IN FERROPORTIN; HEMOCHROMATOSIS, AUTOSOMAL DOMINANT; Ferroportin disease. Identifiers: Orphanet 139491, Orphanet 647834, Orphanet 648562, MedGen C1853733, MONDO:0011631, OMIM 606069.

Submission:

MVZ Dr. Eberhard & Partner Dortmund
Classification: Uncertain significance for Hemochromatosis type 4. Last evaluated: 2025-05-21. Review status: criteria provided, single submitter. Criteria: ACMG Guidelines, 2015. Collection method: clinical testing. Allele origin: unknown. Observed: 1 heterozygote.
Comment: The missense variant c.1480G>A for p.(Gly494Ser) in SLC40A1 has not yet been described in the literature and is not found in population databases of different ethnic groups. Although the amino acid glycine at position 494 is highly conserved, the exchange to serine can be considered a rather conservative exchange (Grantham score 56 [possible 0-215]). However, additional in silico analyses carried out to assess the relevance of an amino acid exchange showed that this change could influence the function of the protein and be pathogenetically significant. Overall, the available data are not sufficient for a conclusive evaluation with regard to hereditary haemochromatosis type 4, so that we currently regard this change as a variant of unclear pathogenetic relevance.

NM_014585.6(SLC40A1):c.1480G>A (p.Gly494Ser)

Gene: SLC40A1 (solute carrier family 40 member 1; minus strand). Cytogenetic location: 2q32.2.
Variant type: single nucleotide variant.
Coding change: c.1480G>A on transcript NM_014585.6 (MANE Select); coding-DNA position 1480, G replaced by A.
Protein change: p.Gly494Ser; replaces glycine 494 with serine.
Molecular consequence: missense variant.
Genome position (GRCh38, 1-based): chr2:189,562,114, C>T on the plus strand (G>A on the coding strand, the complement: SLC40A1 is on the minus strand). VCF-style: chr2-189562114-C-T. GRCh37 (hg19) VCF-style: chr2-190426840-C-T.
Other names: short protein forms G494S.
Identifiers: ClinVar variation 3900619 (VCV003900619.1).
Genomic context (GRCh38, chr2:189,562,114, plus strand): 5'-CCAGGATGACCATGATGAAATGCAGAAGATCAAGAAGATAGTTCATGGAGTTCTGTACAC[C>T]ATTTATAATGCCTCTTTCAGATTCAATTACATTTTCTTGCAGCAACTGTGTCACAGTTAA-3'
Protein context (NP_055400.1, residues 484-504): VIESERGIIN[Gly494Ser]VQNSMNYLLD